The following is an entry in ClinVar:

ClinVar aggregate classification (germline): Uncertain significance (1 of 4 stars; one submission).

gnomAD v4.1: 2 of 1,211,042 alleles (0.00017%); highest among the groups gnomAD compares: Non-Finnish European, 0.00022%; no homozygotes.

Submission:

GeneDx
Classification: Uncertain significance. Last evaluated: 2024-02-20. Review status: criteria provided, single submitter. Criteria: GeneDx Variant Classification Process June 2021. Collection method: clinical testing. Allele origin: germline. Affected: yes.
Comment: Not observed at significant frequency in large population cohorts (gnomAD); In silico analysis supports that this missense variant does not alter protein structure/function; Has not been previously published as pathogenic or benign to our knowledge

NM_031407.7(HUWE1):c.6737C>T (p.Ala2246Val)

Gene: HUWE1 (HECT, UBA and WWE domain containing E3 ubiquitin protein ligase 1; minus strand). Cytogenetic location: Xp11.22.
Variant type: single nucleotide variant.
Coding change: c.6737C>T on transcript NM_031407.7 (MANE Select); coding-DNA position 6737, C replaced by T.
Protein change: p.Ala2246Val; replaces alanine 2246 with valine.
Molecular consequence: missense variant.
Genome position (GRCh38, 1-based): chrX:53,565,210, G>A on the plus strand (C>T on the coding strand, the complement: HUWE1 is on the minus strand). VCF-style: chrX-53565210-G-A. GRCh37 (hg19) VCF-style: chrX-53592171-G-A.
Other names: short protein forms A2246V.
Identifiers: ClinVar variation 3369361 (VCV003369361.1).